The following is an entry in ClinVar:

NM_001611.5(ACP5):c.917dup (p.Tyr306Ter)

Gene: ACP5 (acid phosphatase 5, tartrate resistant; minus strand). Cytogenetic location: 19p13.2.
Variant type: Duplication.
Coding change: c.917dup on transcript NM_001611.5 (MANE Select); coding-DNA position 917, one base duplicated (A; older notation c.917dupA).
Protein change: p.Tyr306Ter; replaces tyrosine 306 with a stop codon.
Molecular consequence: nonsense.
Genome position (GRCh38, 1-based): chr19:11,575,071, T duplicated on the plus strand (A on the coding strand, the reverse complement: ACP5 is on the minus strand). VCF-style (leftmost placement, unchanged base first): chr19-11575070-G-GT. GRCh37 (hg19) VCF-style: chr19-11685885-G-GT.
Other names: c.917dup, p.Tyr306Ter (NM_001111034.3, NM_001111035.3, NM_001111036.3 and 5 more transcripts); short protein forms Y306*.
Identifiers: ClinVar variation 4713506 (VCV004713506.1).

ClinVar aggregate classification (germline): Uncertain significance (1 of 4 stars; one submission).

Conditions:
Spondyloenchondrodysplasia with immune dysregulation (SPENCDI). Also called: COMBINED IMMUNODEFICIENCY WITH AUTOIMMUNITY AND SPONDYLOMETAPHYSEAL DYSPLASIA; ROIFMAN IMMUNOSKELETAL SYNDROME; SPONDYLOENCHONDRODYSPLASIA WITH OR WITHOUT IMMUNE DYSREGULATION. Identifiers: Orphanet 1855, MedGen C1842763, MONDO:0011939, OMIM 607944.

Submission:

Labcorp Genetics (formerly Invitae), Labcorp
Classification: Uncertain significance for Spondyloenchondrodysplasia with immune dysregulation. Last evaluated: 2025-07-23. Review status: criteria provided, single submitter. Criteria: Invitae Variant Classification Sherloc (09022015). Collection method: clinical testing. Allele origin: germline.
Comment: This sequence change creates a premature translational stop signal (p.Tyr306*) in the ACP5 gene. While this is not anticipated to result in nonsense mediated decay, it is expected to disrupt the last 20 amino acid(s) of the ACP5 protein. This variant is present in population databases (no rsID available, gnomAD 0.003%). This variant has not been reported in the literature in individuals affected with ACP5-related conditions. Experimental studies and prediction algorithms are not available or were not evaluated, and the functional significance of this variant is currently unknown. In summary, the available evidence is currently insufficient to determine the role of this variant in disease. Therefore, it has been classified as a Variant of Uncertain Significance.